The following is an entry in ClinVar:

ClinVar aggregate classification (germline): Uncertain significance. Review status: criteria provided, multiple submitters, no conflicts (2 of 4 stars). 3 submissions from 3 submitters: Uncertain significance (3). Last evaluated 2021-10-22.

Conditions:
Inborn genetic diseases. Identifiers: MedGen C0950123, MeSH D030342.
Epidermolysis bullosa simplex 5B, with muscular dystrophy (EBS5B). Also called: EPIDERMOLYSIS BULLOSA SIMPLEX AND LIMB-GIRDLE MUSCULAR DYSTROPHY; Epidermolysis bullosa simplex with muscular dystrophy. Identifiers: Orphanet 257, MedGen C2931072, MONDO:0009181, OMIM 226670.
Epidermolysis bullosa simplex, Ogna type (EBS5A). Also called: Pidermolysis bullosa simplex 5A, Ogna type; EPIDERMOLYSIS BULLOSA SIMPLEX 5A, OGNA TYPE. Identifiers: Orphanet 79401, MedGen C0432317, MONDO:0007555, OMIM 131950.
Autosomal recessive limb-girdle muscular dystrophy type 2Q (LGMDR17). Also called: MUSCULAR DYSTROPHY, LIMB-GIRDLE, AUTOSOMAL RECESSIVE 17. Identifiers: Orphanet 254361, MedGen C3150989, MONDO:0013390, OMIM 613723.
Epidermolysis bullosa simplex 5C, with pyloric atresia (EBS5C). Also called: Epidermolysis bullosa simplex with pyloric atresia; PLEC1-Related Epidermolysis Bullosa with Pyloric Atresia; PLEC-Related Epidermolysis Bullosa with Pyloric Atresia. Identifiers: Orphanet 158684, MedGen C2677349, MONDO:0012807, OMIM 612138.
Epidermolysis bullosa simplex with nail dystrophy (EBS5D). Identifiers: MedGen C4225309, MONDO:0014661, OMIM 616487.

Submissions (3):

Ambry Genetics
Classification: Uncertain significance for Inborn genetic diseases. Last evaluated: 2021-10-22. Review status: criteria provided, single submitter. Criteria: Ambry Variant Classification Scheme 2023. Collection method: clinical testing. Allele origin: germline.

Labcorp Genetics (formerly Invitae), Labcorp
Classification: Uncertain significance for Autosomal recessive limb-girdle muscular dystrophy type 2Q; Epidermolysis bullosa simplex, Ogna type; Epidermolysis bullosa simplex with nail dystrophy; Epidermolysis bullosa simplex 5C, with pyloric atresia; Epidermolysis bullosa simplex 5B, with muscular dystrophy. Last evaluated: 2021-08-30. Review status: criteria provided, single submitter. Criteria: Invitae Variant Classification Sherloc (09022015). Collection method: clinical testing. Allele origin: germline.
Comment: This sequence change replaces aspartic acid with glutamic acid at codon 154 of the PLEC protein (p.Asp154Glu). The aspartic acid residue is highly conserved and there is a small physicochemical difference between aspartic acid and glutamic acid. This variant is not present in population databases (ExAC no frequency). This variant has not been reported in the literature in individuals affected with PLEC-related conditions. ClinVar contains an entry for this variant (Variation ID: 499218). Algorithms developed to predict the effect of missense changes on protein structure and function are either unavailable or do not agree on the potential impact of this missense change (SIFT: "Tolerated"; PolyPhen-2: "Not Available"; Align-GVGD: "Class C0"). In summary, the available evidence is currently insufficient to determine the role of this variant in disease. Therefore, it has been classified as a Variant of Uncertain Significance.

Eurofins Ntd Llc (ga)
Classification: Uncertain significance. Last evaluated: 2017-01-03. Review status: criteria provided, single submitter. Criteria: EGL Classification Definitions 2015. Collection method: clinical testing. Allele origin: germline. Observed: 1 variant allele, 1 heterozygote.

NM_201384.3(PLEC):c.381C>G (p.Asp127Glu)

Gene: PLEC (plectin; minus strand). Cytogenetic location: 8q24.3.
Variant type: single nucleotide variant.
Coding change: c.381C>G on transcript NM_201384.3 (MANE Select); coding-DNA position 381, C replaced by G.
Protein change: p.Asp127Glu; replaces aspartic acid 127 with glutamic acid.
Molecular consequence: missense variant.
Genome position (GRCh38, 1-based): chr8:143,937,033, G>C on the plus strand (C>G on the coding strand, the complement: PLEC is on the minus strand). VCF-style: chr8-143937033-G-C. GRCh37 (hg19) VCF-style: chr8-145011201-G-C.
Other names: c.462C>G (NM_000445.3); c.462C>G, p.Asp154Glu (NM_000445.5); c.339C>G, p.Asp113Glu (NM_201378.4); c.315C>G, p.Asp105Glu (NM_201379.3); c.792C>G, p.Asp264Glu (NM_201380.4); c.285C>G, p.Asp95Glu (NM_201381.3); c.381C>G, p.Asp127Glu (NM_201382.4); c.393C>G, p.Asp131Glu (NM_201383.3); short protein forms D105E, D113E, D127E, D131E, D154E, D264E, D95E.
Identifiers: ClinVar variation 499218 (VCV000499218.8), dbSNP rs185041864, ClinGen allele CA372590745.
Genomic context (GRCh38, chr8:143,937,033, plus strand): 5'-TTCTACCTGGAAGTGCAGAATGATTGTCCAGATGAGGCCAAGGGTCAGCTTGGGGTTGCC[G>C]TCAGCGATGTCATCATTCCTGATGTTCACCAGCTTCACCTGTGAGCGAGGGGCTCTCGGT-3'
Protein context (NP_958786.1, residues 117-137): LVNIRNDDIA[Asp127Glu]GNPKLTLGLI